The following is an entry in ClinVar:

NM_032043.3(BRIP1):c.2222T>G (p.Val741Gly)

Gene: BRIP1 (BRCA1 interacting DNA helicase 1; minus strand). Cytogenetic location: 17q23.2.
Variant type: single nucleotide variant.
Coding change: c.2222T>G on transcript NM_032043.3 (MANE Select); coding-DNA position 2222, T replaced by G.
Protein change: p.Val741Gly; replaces valine 741 with glycine.
Molecular consequence: missense variant.
Genome position (GRCh38, 1-based): chr17:61,744,467, A>C on the plus strand (T>G on the coding strand, the complement: BRIP1 is on the minus strand). VCF-style: chr17-61744467-A-C. GRCh37 (hg19) VCF-style: chr17-59821828-A-C.
Other names: short protein forms V741G.
Identifiers: ClinVar variation 5033393 (VCV005033393.1).

ClinVar aggregate classification (germline): Uncertain significance (1 of 4 stars; one submission).

Conditions:
Hereditary cancer-predisposing syndrome. Also called: Neoplastic Syndromes, Hereditary; Tumor predisposition; Hereditary neoplastic syndrome; Hereditary Cancer Syndrome. Identifiers: Orphanet 140162, MedGen C0027672, MeSH D009386, MONDO:0015356.

Submission:

Ambry Genetics
Classification: Uncertain significance for Hereditary cancer-predisposing syndrome. Last evaluated: 2026-07-02. Review status: criteria provided, single submitter. Criteria: Ambry Variant Classification Scheme 2023. Collection method: clinical testing. Allele origin: germline.
Comment: The p.V741G variant (also known as c.2222T>G), located in coding exon 14 of the BRIP1 gene, results from a T to G substitution at nucleotide position 2222. The valine at codon 741 is replaced by glycine, an amino acid with dissimilar properties. This amino acid position is conserved. In addition, this alteration is predicted to be tolerated by in silico analysis. Based on the available evidence, the clinical significance of this variant remains unclear.